The following is an entry in ClinVar:

NM_004260.4(RECQL4):c.2474T>C (p.Leu825Pro)

Gene: RECQL4 (RecQ like helicase 4; minus strand). Cytogenetic location: 8q24.3.
Variant type: single nucleotide variant.
Coding change: c.2474T>C on transcript NM_004260.4 (MANE Select); coding-DNA position 2474, T replaced by C.
Protein change: p.Leu825Pro; replaces leucine 825 with proline.
Molecular consequence: missense variant.
Genome position (GRCh38, 1-based): chr8:144,513,128, A>G on the plus strand (T>C on the coding strand, the complement: RECQL4 is on the minus strand). VCF-style: chr8-144513128-A-G. GRCh37 (hg19) VCF-style: chr8-145738511-A-G.
Other names: short protein forms L825P.
Identifiers: ClinVar variation 1426832 (VCV001426832.7), dbSNP rs1286406860, ClinGen allele CA372677579.

ClinVar aggregate classification (germline): Uncertain significance (1 of 4 stars; one submission).

Conditions:
Baller-Gerold syndrome (BGS). Also called: CRANIOSYNOSTOSIS WITH RADIAL DEFECTS. Identifiers: Orphanet 1225, MedGen C0265308, MONDO:0009039, OMIM 218600.

Allele frequency attached by ClinVar (database versions not stated): gnomAD exomes below 0.00001.
gnomAD v4.1: 2 of 1,436,078 alleles (0.00014%); highest among the groups gnomAD compares: Non-Finnish European, 0.00019%; no homozygotes.

Submission:

Labcorp Genetics (formerly Invitae), Labcorp
Classification: Uncertain significance for Baller-Gerold syndrome. Last evaluated: 2023-05-11. Review status: criteria provided, single submitter. Criteria: Invitae Variant Classification Sherloc (09022015). Collection method: clinical testing. Allele origin: germline.
Comment: ClinVar contains an entry for this variant (Variation ID: 1426832). This variant has not been reported in the literature in individuals affected with RECQL4-related conditions. The frequency data for this variant in the population databases is considered unreliable, as metrics indicate poor data quality at this position in the gnomAD database. This sequence change replaces leucine, which is neutral and non-polar, with proline, which is neutral and non-polar, at codon 825 of the RECQL4 protein (p.Leu825Pro). Advanced modeling of protein sequence and biophysical properties (such as structural, functional, and spatial information, amino acid conservation, physicochemical variation, residue mobility, and thermodynamic stability) performed at Invitae indicates that this missense variant is expected to disrupt RECQL4 protein function. In summary, the available evidence is currently insufficient to determine the role of this variant in disease. Therefore, it has been classified as a Variant of Uncertain Significance.